The following is an entry in ClinVar:

NM_004304.5(ALK):c.1325C>T (p.Thr442Ile)

Gene: ALK (ALK receptor tyrosine kinase; minus strand). Cytogenetic location: 2p23.2.
Variant type: single nucleotide variant.
Coding change: c.1325C>T on transcript NM_004304.5 (MANE Select); coding-DNA position 1325, C replaced by T.
Protein change: p.Thr442Ile; replaces threonine 442 with isoleucine.
Molecular consequence: missense variant.
Genome position (GRCh38, 1-based): chr2:29,328,439, G>A on the plus strand (C>T on the coding strand, the complement: ALK is on the minus strand). VCF-style: chr2-29328439-G-A. GRCh37 (hg19) VCF-style: chr2-29551305-G-A.
Other names: c.1325C>T (NM_004304.4); short protein forms T442I.
Identifiers: ClinVar variation 3685187 (VCV003685187.3).

ClinVar aggregate classification (germline): Uncertain significance. Review status: criteria provided, multiple submitters, no conflicts (2 of 4 stars). 2 submissions from 2 submitters: Uncertain significance (2). Last evaluated 2025-04-28.

Conditions:
Neuroblastoma, susceptibility to, 3. Also called: ALK-Related Neuroblastic Tumor Susceptibility. Identifiers: Orphanet 635, MedGen C2751681, MONDO:0013083, OMIM 613014.
Hereditary cancer-predisposing syndrome. Also called: Tumor predisposition; Hereditary neoplastic syndrome; Hereditary Cancer Syndrome; Neoplastic Syndromes, Hereditary. Identifiers: Orphanet 140162, MedGen C0027672, MeSH D009386, MONDO:0015356.

gnomAD v4.1: 2 of 1,614,092 alleles (0.00012%); highest among the groups gnomAD compares: Non-Finnish European, 0.00017%; no homozygotes.

Submissions (2):

Ambry Genetics
Classification: Uncertain significance for Hereditary cancer-predisposing syndrome. Last evaluated: 2025-04-28. Review status: criteria provided, single submitter. Criteria: Ambry Variant Classification Scheme 2023. Collection method: clinical testing. Allele origin: germline.
Comment: The p.T442I variant (also known as c.1325C>T), located in coding exon 6 of the ALK gene, results from a C to T substitution at nucleotide position 1325. The threonine at codon 442 is replaced by isoleucine, an amino acid with similar properties. This amino acid position is conserved. In addition, the in silico prediction for this alteration is inconclusive. Based on the available evidence, the clinical significance of this variant remains unclear.

Labcorp Genetics (formerly Invitae), Labcorp
Classification: Uncertain significance for Neuroblastoma, susceptibility to, 3. Last evaluated: 2024-05-29. Review status: criteria provided, single submitter. Criteria: Invitae Variant Classification Sherloc (09022015). Collection method: clinical testing. Allele origin: germline.
Comment: This sequence change replaces threonine, which is neutral and polar, with isoleucine, which is neutral and non-polar, at codon 442 of the ALK protein (p.Thr442Ile). This variant is not present in population databases (gnomAD no frequency). This variant has not been reported in the literature in individuals affected with ALK-related conditions. An algorithm developed to predict the effect of missense changes on protein structure and function (PolyPhen-2) suggests that this variant is likely to be tolerated. In summary, the available evidence is currently insufficient to determine the role of this variant in disease. Therefore, it has been classified as a Variant of Uncertain Significance.